The following is an entry in ClinVar:

ClinVar aggregate classification (germline): Uncertain significance (1 of 4 stars; one submission).

Conditions:
Oculofaciocardiodental syndrome (MCOPS2). Identifiers: Orphanet 2712, MedGen C1846265, MONDO:0010261, OMIM 300166.

Allele frequency attached by ClinVar (database versions not stated): gnomAD 0.00001; gnomAD exomes 0.00002 and 0.00003; ExAC 0.00003; TOPMed 0.00005.
gnomAD v4.1: 10 of 1,210,988 alleles (0.00083%); highest among the groups gnomAD compares: Admixed American, 0.015%; no homozygotes.

Submission:

Labcorp Genetics (formerly Invitae), Labcorp
Classification: Uncertain significance for Oculofaciocardiodental syndrome. Last evaluated: 2021-04-13. Review status: criteria provided, single submitter. Criteria: Invitae Variant Classification Sherloc (09022015). Collection method: clinical testing. Allele origin: germline.
Comment: In summary, the available evidence is currently insufficient to determine the role of this variant in disease. Therefore, it has been classified as a Variant of Uncertain Significance. Algorithms developed to predict the effect of missense changes on protein structure and function (SIFT, PolyPhen-2, Align-GVGD) all suggest that this variant is likely to be tolerated, but these predictions have not been confirmed by published functional studies and their clinical significance is uncertain. This variant has not been reported in the literature in individuals with BCOR-related conditions. This variant is present in population databases (rs749370134, ExAC 0.02%). This sequence change replaces proline with alanine at codon 661 of the BCOR protein (p.Pro661Ala). The proline residue is highly conserved and there is a small physicochemical difference between proline and alanine.

NM_001123385.2(BCOR):c.1981C>G (p.Pro661Ala)

Gene: BCOR (BCL6 corepressor; minus strand). Cytogenetic location: Xp11.4.
Variant type: single nucleotide variant.
Coding change: c.1981C>G on transcript NM_001123385.2 (MANE Select); coding-DNA position 1981, C replaced by G.
Protein change: p.Pro661Ala; replaces proline 661 with alanine.
Molecular consequence: missense variant.
Genome position (GRCh38, 1-based): chrX:40,073,365, G>C on the plus strand (C>G on the coding strand, the complement: BCOR is on the minus strand). VCF-style: chrX-40073365-G-C. GRCh37 (hg19) VCF-style: chrX-39932618-G-C.
Other names: c.1981C>G, p.Pro661Ala (NM_001123383.2, NM_001123384.2, NM_017745.6); short protein forms P661A.
Identifiers: ClinVar variation 1461037 (VCV001461037.8), dbSNP rs749370134, ClinGen allele CA10386850.